The following is an entry in ClinVar:

ClinVar aggregate classification (germline): Uncertain significance (1 of 4 stars; one submission).

Allele frequency attached by ClinVar (database versions not stated): gnomAD exomes below 0.00001; ExAC 0.00001.
gnomAD v4.1: 3 of 1,614,230 alleles (0.00019%); highest among the groups gnomAD compares: South Asian, 0.0022%; no homozygotes.

Submission:

Labcorp Genetics (formerly Invitae), Labcorp
Classification: Uncertain significance. Last evaluated: 2022-11-08. Review status: criteria provided, single submitter. Criteria: Invitae Variant Classification Sherloc (09022015). Collection method: clinical testing. Allele origin: germline.
Comment: In summary, the available evidence is currently insufficient to determine the role of this variant in disease. Therefore, it has been classified as a Variant of Uncertain Significance. Advanced modeling of protein sequence and biophysical properties (such as structural, functional, and spatial information, amino acid conservation, physicochemical variation, residue mobility, and thermodynamic stability) performed at Invitae indicates that this missense variant is not expected to disrupt CYP4V2 protein function. This variant has not been reported in the literature in individuals affected with CYP4V2-related conditions. This variant is present in population databases (rs760501901, gnomAD 0.003%). This sequence change replaces histidine, which is basic and polar, with arginine, which is basic and polar, at codon 357 of the CYP4V2 protein (p.His357Arg).

NM_207352.4(CYP4V2):c.1070A>G (p.His357Arg)

Gene: CYP4V2 (cytochrome P450 family 4 subfamily V member 2; plus strand). Cytogenetic location: 4q35.2.
Variant type: single nucleotide variant.
Coding change: c.1070A>G on transcript NM_207352.4 (MANE Select); coding-DNA position 1070, A replaced by G.
Protein change: p.His357Arg; replaces histidine 357 with arginine.
Molecular consequence: missense variant.
Genome position (GRCh38, 1-based): chr4:186,205,282, A>G. VCF-style: chr4-186205282-A-G. GRCh37 (hg19) VCF-style: chr4-187126436-A-G.
Other names: short protein forms H357R.
Identifiers: ClinVar variation 2012889 (VCV002012889.4), dbSNP rs760501901, ClinGen allele CA3162730.
Genomic context (GRCh38, chr4:186,205,282, plus strand): 5'-CAATAAACTGGTCCTTATACCTGTTGGGTTCTAACCCAGAAGTCCAGAAAAAAGTGGATC[A>G]TGAATTGGATGACGTGTTTGGTATGTTTGGCCCCTTCACTGGTTATATTGTGGTACTAAG-3'
Protein context (NP_997235.3, residues 347-367): SNPEVQKKVD[His357Arg]ELDDVFGKSD